The following is an entry in ClinVar:

ClinVar aggregate classification (germline): Pathogenic. Review status: criteria provided, multiple submitters, no conflicts (2 of 4 stars). 3 submissions from 3 submitters: Pathogenic (3). Last evaluated 2026-10-03.

Conditions:
Cardiovascular phenotype. Identifiers: MedGen CN230736.
Charcot-Marie-Tooth disease type 2. Also called: Charcot-Marie-Tooth type 2. Identifiers: Orphanet 64746, MedGen C0270914, MONDO:0018993.

Submissions (3):

GeneDx
Classification: Pathogenic. Last evaluated: 2026-10-03. Review status: criteria provided, single submitter. Criteria: GeneDx Variant Classification Process June 2021. Collection method: clinical testing. Allele origin: germline.
Comment: Not observed at significant frequency in large population cohorts (gnomAD); Nonsense variant predicted to result in protein truncation or nonsense mediated decay in a gene for which loss of function is a known mechanism of disease; This variant is associated with the following publications: (PMID: 22224630, 39204134)

Labcorp Genetics (formerly Invitae), Labcorp
Classification: Pathogenic for Charcot-Marie-Tooth disease type 2. Last evaluated: 2025-02-23. Review status: criteria provided, single submitter. Criteria: Invitae Variant Classification Sherloc (09022015). Collection method: clinical testing. Allele origin: germline.
Comment: This sequence change creates a premature translational stop signal (p.Trp520*) in the LMNA gene. It is expected to result in an absent or disrupted protein product. Loss-of-function variants in LMNA are known to be pathogenic (PMID: 18585512, 18926329). This variant is not present in population databases (gnomAD no frequency). This premature translational stop signal has been observed in individual(s) with dilated cardiomyopathy (PMID: 22224630). ClinVar contains an entry for this variant (Variation ID: 200944). For these reasons, this variant has been classified as Pathogenic.

Ambry Genetics
Classification: Pathogenic for Cardiovascular phenotype. Last evaluated: 2019-10-24. Review status: criteria provided, single submitter. Criteria: Ambry Variant Classification Scheme 2023. Collection method: clinical testing. Allele origin: germline.
Comment: The p.W520* pathogenic mutation (also known as c.1560G>A), located in coding exon 9 of the LMNA gene, results from a G to A substitution at nucleotide position 1560. This changes the amino acid from a tryptophan to a stop codon within coding exon 9. This alteration has been reported in a dilated cardiomyopathy (DCM) cohort (Stallmeyer B et al. Genet Test Mol Biomarkers, 2012 Jun;16:543-9). This alteration is expected to result in loss of function by premature protein truncation or nonsense-mediated mRNA decay. As such, this alteration is interpreted as a disease-causing mutation.

Literature cited by the submitters: PubMed 18585512 (cited by Labcorp Genetics (formerly Invitae), Labcorp); PubMed 18926329 (cited by Labcorp Genetics (formerly Invitae), Labcorp); PubMed 22224630 (cited by Labcorp Genetics (formerly Invitae), Labcorp and Ambry Genetics).

NM_170707.4(LMNA):c.1560G>A (p.Trp520Ter)

Gene: LMNA (lamin A/C; plus strand). Cytogenetic location: 1q22.
Variant type: single nucleotide variant.
Coding change: c.1560G>A on transcript NM_170707.4 (MANE Select); coding-DNA position 1560, G replaced by A.
Protein change: p.Trp520Ter; replaces tryptophan 520 with a stop codon.
Molecular consequence: nonsense.
Genome position (GRCh38, 1-based): chr1:156,137,184, G>A. VCF-style: chr1-156137184-G-A. GRCh37 (hg19) VCF-style: chr1-156106975-G-A.
Other names: p.W520*:TGG>TGA; c.1224G>A, p.Trp408Ter (NM_001257374.3); c.1317G>A, p.Trp439Ter (NM_001282624.2); c.1560G>A, p.Trp520Ter (NM_001282625.2, NM_001282626.2, NM_005572.4 and 1 more transcripts); short protein forms W520*, W408*, W439*.
Identifiers: ClinVar variation 200944 (VCV000200944.7), dbSNP rs794728595, ClinGen allele CA017446.